The following is an entry in ClinVar:

NM_014915.3(ANKRD26):c.2971A>C (p.Lys991Gln)

Gene: ANKRD26 (ankyrin repeat domain containing 26; minus strand). Cytogenetic location: 10p12.1.
Variant type: single nucleotide variant.
Coding change: c.2971A>C on transcript NM_014915.3 (MANE Select); coding-DNA position 2971, A replaced by C.
Protein change: p.Lys991Gln; replaces lysine 991 with glutamine.
Molecular consequence: missense variant.
Genome position (GRCh38, 1-based): chr10:27,035,479, T>G on the plus strand (A>C on the coding strand, the complement: ANKRD26 is on the minus strand). VCF-style: chr10-27035479-T-G. GRCh37 (hg19) VCF-style: chr10-27324408-T-G.
Other names: c.2968A>C, p.Lys990Gln (NM_001256053.2); short protein forms K990Q, K991Q.
Identifiers: ClinVar variation 3914765 (VCV003914765.1).

ClinVar aggregate classification (germline): Uncertain significance (1 of 4 stars; one submission).

Conditions:
Inborn genetic diseases. Identifiers: MedGen C0950123, MeSH D030342.

Submission:

Ambry Genetics
Classification: Uncertain significance for Inborn genetic diseases. Last evaluated: 2025-05-25. Review status: criteria provided, single submitter. Criteria: Ambry Variant Classification Scheme 2023. Collection method: clinical testing. Allele origin: germline.
Comment: The p.K991Q variant (also known as c.2971A>C), located in coding exon 24 of the ANKRD26 gene, results from an A to C substitution at nucleotide position 2971. The lysine at codon 991 is replaced by glutamine, an amino acid with similar properties. This amino acid position is conserved. In addition, this alteration is predicted to be tolerated by in silico analysis. Based on the available evidence, the clinical significance of this variant remains unclear.